The following is an entry in ClinVar:

NM_001267550.2(TTN):c.8704G>C (p.Glu2902Gln)

Gene: TTN (titin; minus strand). Cytogenetic location: 2q31.2.
Variant type: single nucleotide variant.
Coding change: c.8704G>C on transcript NM_001267550.2 (MANE Select); coding-DNA position 8704, G replaced by C.
Protein change: p.Glu2902Gln; replaces glutamic acid 2902 with glutamine.
Molecular consequence: missense variant.
Genome position (GRCh38, 1-based): chr2:178,769,877, C>G on the plus strand (G>C on the coding strand, the complement: TTN is on the minus strand). VCF-style: chr2-178769877-C-G. GRCh37 (hg19) VCF-style: chr2-179634604-C-G.
Other names: c.8704G>C, p.Glu2902Gln (NM_001256850.1, NM_133378.4, NM_133379.5); c.8566G>C, p.Glu2856Gln (NM_003319.4, NM_133432.3, NM_133437.4); short protein forms E2856Q, E2902Q.
Identifiers: ClinVar variation 1763875 (VCV001763875.2), dbSNP rs143767300, ClinGen allele CA61003407.

ClinVar aggregate classification (germline): Uncertain significance (1 of 4 stars; one submission).

Conditions:
Cardiovascular phenotype. Identifiers: MedGen CN230736.

Allele frequency attached by ClinVar (database versions not stated): TOPMed below 0.00001; gnomAD 0.00001; ESP Exome Variant Server 0.00008.
gnomAD v4.1: 2 of 1,613,962 alleles (0.00012%); highest among the groups gnomAD compares: African/African-American, 0.0027%; no homozygotes.

Submission:

Ambry Genetics
Classification: Uncertain significance for Cardiovascular phenotype. Last evaluated: 2019-08-12. Review status: criteria provided, single submitter. Criteria: Ambry Variant Classification Scheme 2023. Collection method: clinical testing. Allele origin: germline.
Comment: The p.E2856Q variant (also known as c.8566G>C), located in coding exon 35 of the TTN gene, results from a G to C substitution at nucleotide position 8566. The glutamic acid at codon 2856 is replaced by glutamine, an amino acid with highly similar properties. This amino acid position is well conserved in available vertebrate species; however, glutamine is the reference amino acid in other vertebrate species. Using the BDGP and ESEfinder splice site prediction tools, this alteration is predicted to create a new alternate splice acceptor site; however, direct evidence is unavailable. In addition, the in silico prediction for this alteration is inconclusive. Since supporting evidence is limited at this time, the clinical significance of this alteration remains unclear.